The following is an entry in ClinVar:

ClinVar aggregate classification (germline): Uncertain significance. Review status: criteria provided, multiple submitters, no conflicts (2 of 4 stars). 5 submissions from 5 submitters: Uncertain significance (5). Last evaluated 2025-08-20.

Conditions:
ITK-related disorder. Also called: ITK-related condition.
Lymphoproliferative syndrome 1 (LPFS1). Identifiers: Orphanet 238505, Orphanet 538963, MedGen C3552634, MONDO:0013081, OMIM 613011.

Allele frequency attached by ClinVar (database versions not stated): gnomAD 0.00009 and 0.00017; TOPMed 0.00012; ExAC 0.00015; ESP Exome Variant Server 0.00015; gnomAD exomes 0.00018; 1000 Genomes Project 30x 0.00062; 1000 Genomes Project 0.00080.
gnomAD v4.1: 258 of 1,614,174 alleles (0.016%); highest among the groups gnomAD compares: Middle Eastern, 0.13%; no homozygotes.

Submissions (5):

PreventionGenetics, part of Exact Sciences
Classification: Uncertain significance for ITK-related condition. Last evaluated: 2025-08-20. Review status: criteria provided, single submitter. Criteria: ACMG Guidelines, 2015. Collection method: clinical testing. Allele origin: germline.
Comment: The ITK c.1282C>A variant is predicted to result in the amino acid substitution p.Gln428Lys. To our knowledge, this variant has not been reported in the literature. This variant is reported in 0.026% of alleles in individuals of South Asian descent in gnomAD. At this time, the clinical significance of this variant is uncertain due to the absence of conclusive functional and genetic evidence.

Blueprint Genetics
Classification: Uncertain significance. Last evaluated: 2024-06-25. Review status: criteria provided, single submitter. Criteria: ACMG Guidelines, 2015. Collection method: clinical testing. Allele origin: germline.

Labcorp Genetics (formerly Invitae), Labcorp
Classification: Uncertain significance for Lymphoproliferative syndrome 1. Last evaluated: 2022-10-17. Review status: criteria provided, single submitter. Criteria: Invitae Variant Classification Sherloc (09022015). Collection method: clinical testing. Allele origin: germline.
Comment: This sequence change replaces glutamine, which is neutral and polar, with lysine, which is basic and polar, at codon 428 of the ITK protein (p.Gln428Lys). This variant is present in population databases (rs150270557, gnomAD 0.03%). This variant has not been reported in the literature in individuals affected with ITK-related conditions. ClinVar contains an entry for this variant (Variation ID: 641419). Advanced modeling of protein sequence and biophysical properties (such as structural, functional, and spatial information, amino acid conservation, physicochemical variation, residue mobility, and thermodynamic stability) performed at Invitae indicates that this missense variant is not expected to disrupt ITK protein function. In summary, the available evidence is currently insufficient to determine the role of this variant in disease. Therefore, it has been classified as a Variant of Uncertain Significance.

Genetic Services Laboratory, University of Chicago
Classification: Uncertain significance. Last evaluated: 2021-11-23. Review status: criteria provided, single submitter. Criteria: ACMG Guidelines, 2015. Collection method: clinical testing. Allele origin: germline. Affected: no.
Comment: DNA sequence analysis of the ITK gene demonstrated a sequence change, c.1282C>A, in exon 13 that results in an amino acid change, p.Gln428Lys. This sequence change has been described in the gnomAD database with a frequency of 0.026% in the South Asian subpopulation (dbSNP rs150270557). The p.Gln428Lys change affects a moderately conserved amino acid residue located in a domain of the ITK protein that is known to be functional. The p.Gln428Lys substitution appears to be benign using several in-silico pathogenicity prediction tools (SIFT, PolyPhen2, Align GVGD, REVEL). This sequence change does not appear to have been previously described in individuals with ITK-related disorders. Due to insufficient evidences and the lack of functional studies, the clinical significance of the p.Gln428Lys change remains unknown at this time.

Illumina Laboratory Services, Illumina
Classification: Uncertain significance for Lymphoproliferative syndrome 1. Last evaluated: 2018-01-12. Review status: criteria provided, single submitter. Criteria: ICSL Variant Classification Criteria 13 December 2019. Collection method: clinical testing. Allele origin: germline.

NM_005546.4(ITK):c.1282C>A (p.Gln428Lys)

Gene: ITK (IL2 inducible T cell kinase; plus strand). Cytogenetic location: 5q33.3.
Variant type: single nucleotide variant.
Coding change: c.1282C>A on transcript NM_005546.4 (MANE Select); coding-DNA position 1282, C replaced by A.
Protein change: p.Gln428Lys; replaces glutamine 428 with lysine.
Molecular consequence: missense variant.
Genome position (GRCh38, 1-based): chr5:157,244,311, C>A. VCF-style: chr5-157244311-C-A. GRCh37 (hg19) VCF-style: chr5-156671321-C-A.
Other names: short protein forms Q428K.
Identifiers: ClinVar variation 641419 (VCV000641419.14), dbSNP rs150270557, ClinGen allele CA3533049.